The following is an entry in ClinVar:

ClinVar aggregate classification (germline): Uncertain significance (1 of 4 stars; one submission).

Conditions:
Inborn genetic diseases. Identifiers: MedGen C0950123, MeSH D030342.

gnomAD v4.1: 1 of 1,613,630 alleles (0.000062%); highest among the groups gnomAD compares: South Asian, 0.0011%; no homozygotes.

Submission:

Ambry Genetics
Classification: Uncertain significance for Inborn genetic diseases. Last evaluated: 2025-04-16. Review status: criteria provided, single submitter. Criteria: Ambry Variant Classification Scheme 2023. Collection method: clinical testing. Allele origin: germline.
Comment: The p.Q557R variant (also known as c.1670A>G), located in coding exon 16 of the DDX41 gene, results from an A to G substitution at nucleotide position 1670. The glutamine at codon 557 is replaced by arginine, an amino acid with highly similar properties. This amino acid position is highly conserved in available vertebrate species. In addition, this alteration is predicted to be deleterious by in silico analysis. Based on the available evidence, the clinical significance of this variant remains unclear.

NM_016222.4(DDX41):c.1670A>G (p.Gln557Arg)

Gene: DDX41 (DEAD-box helicase 41; minus strand). Cytogenetic location: 5q35.3.
Variant type: single nucleotide variant.
Coding change: c.1670A>G on transcript NM_016222.4 (MANE Select); coding-DNA position 1670, A replaced by G.
Protein change: p.Gln557Arg; replaces glutamine 557 with arginine.
Molecular consequence: missense variant.
Genome position (GRCh38, 1-based): chr5:177,512,158, T>C on the plus strand (A>G on the coding strand, the complement: DDX41 is on the minus strand). VCF-style: chr5-177512158-T-C. GRCh37 (hg19) VCF-style: chr5-176939159-T-C.
Other names: c.1292A>G, p.Gln431Arg (NM_001321732.2, NM_001321830.2); short protein forms Q431R, Q557R.
Identifiers: ClinVar variation 4010284 (VCV004010284.1).